The following is an entry in ClinVar:

NM_177972.3(TUB):c.1110G>C (p.Val370=)

Genes: RIC3 (RIC3 acetylcholine receptor chaperone; minus strand), TUB (TUB bipartite transcription factor; plus strand). Cytogenetic location: 11p15.4.
Variant type: single nucleotide variant.
Coding change: c.1110G>C on transcript NM_177972.3 (MANE Select); coding-DNA position 1110, G replaced by C.
Protein change: p.Val370=; no amino-acid change (valine 370 retained).
Molecular consequence: synonymous variant.
Genome position (GRCh38, 1-based): chr11:8,098,869, G>C. VCF-style: chr11-8098869-G-C. GRCh37 (hg19) VCF-style: chr11-8120416-G-C.
Other names: c.1275G>C, p.Val425= (NM_003320.5).
Identifiers: ClinVar variation 3357626 (VCV003357626.1).

ClinVar aggregate classification (germline): Likely benign (0 of 4 stars; one submission).

Conditions:
TUB-related disorder. Also called: TUB-related condition.

Submission:

PreventionGenetics, part of Exact Sciences
Classification: Likely benign for TUB-related condition. Last evaluated: 2021-06-28. Review status: no assertion criteria provided. Collection method: clinical testing. Allele origin: germline.
Comment: This variant is classified as likely benign based on ACMG/AMP sequence variant interpretation guidelines (Richards et al. 2015 PMID: 25741868, with internal and published modifications).